The following is an entry in ClinVar:

NM_007347.5(AP4E1):c.2T>C (p.Met1Thr)

Gene: AP4E1 (adaptor related protein complex 4 subunit epsilon 1; plus strand). Cytogenetic location: 15q21.2.
Variant type: single nucleotide variant.
Coding change: c.2T>C on transcript NM_007347.5 (MANE Select); coding-DNA position 2, T replaced by C.
Protein change: p.Met1Thr; changes the start codon (methionine 1).
Molecular consequence: missense variant, initiator codon variant. On other transcripts: 5 prime UTR variant (1).
Genome position (GRCh38, 1-based): chr15:50,908,780, T>C. VCF-style: chr15-50908780-T-C. GRCh37 (hg19) VCF-style: chr15-51200977-T-C.
Other names: c.-247T>C (NM_001252127.2); short protein forms M1T.
Identifiers: ClinVar variation 1722424 (VCV001722424.2), dbSNP rs2504640516, ClinGen allele CA392410145.

ClinVar aggregate classification (germline): Uncertain significance (1 of 4 stars; one submission).

Submission:

Women's Health and Genetics/Laboratory Corporation of America, LabCorp
Classification: Uncertain significance. Last evaluated: 2022-09-07. Review status: criteria provided, single submitter. Criteria: LabCorp Variant Classification Summary - May 2015. Collection method: clinical testing. Allele origin: germline.
Comment: Variant summary: AP4E1 c.2T>C (p.Met1?, aka p.Met1Thr) alters the initiation codon and is predicted to result either in absence of the protein or truncation of the encoded protein due to translation initiation at a downstream codon. The first downstream in-frame start codon (ATG) is located in exon 3 at Met76, which is the start codon in an alternative transcript (NM_001252127). No truncations or pathogenic missense variants have been reported 5' of Met76 in the AP4E1 gene (HGMD). Four of four in-silico tools predict a damaging effect of the variant on protein function. The variant was absent in 158358 control chromosomes (gnomAD). The available data on variant occurrences in the general population are insufficient to allow any conclusion about variant significance. To our knowledge, no occurrence of c.2T>C in individuals affected with Hereditary Spastic Paraplegia 51 and no experimental evidence demonstrating its impact on protein function have been reported. No clinical diagnostic laboratories have submitted clinical-significance assessments for this variant to ClinVar after 2014. Based on the evidence outlined above, the variant was classified as uncertain significance.